The following is an entry in ClinVar:

NM_006904.7(PRKDC):c.12064A>C (p.Lys4022Gln)

Gene: PRKDC (protein kinase, DNA-activated, catalytic subunit; minus strand). Cytogenetic location: 8q11.21.
Variant type: single nucleotide variant.
Coding change: c.12064A>C on transcript NM_006904.7 (MANE Select); coding-DNA position 12064, A replaced by C.
Protein change: p.Lys4022Gln; replaces lysine 4022 with glutamine.
Molecular consequence: missense variant.
Genome position (GRCh38, 1-based): chr8:47,776,962, T>G on the plus strand (A>C on the coding strand, the complement: PRKDC is on the minus strand). VCF-style: chr8-47776962-T-G. GRCh37 (hg19) VCF-style: chr8-48689523-T-G.
Other names: c.11971A>C, p.Lys3991Gln (NM_001081640.2); short protein forms K3991Q, K4022Q.
Identifiers: ClinVar variation 2564563 (VCV002564563.2), dbSNP rs780137148, ClinGen allele CA4738907.

ClinVar aggregate classification (germline): Uncertain significance (1 of 4 stars; one submission).

Allele frequency attached by ClinVar (database versions not stated): ExAC 0.00001.
gnomAD v4.1: 1 of 1,610,054 alleles (0.000062%); no homozygotes.

Submission:

Ambry Genetics
Classification: Uncertain significance. Last evaluated: 2023-05-27. Review status: criteria provided, single submitter. Criteria: Ambry Variant Classification Scheme 2023. Collection method: clinical testing. Allele origin: germline.
Comment: The p.K4022Q variant (also known as c.12064A>C), located in coding exon 85 of the PRKDC gene, results from an A to C substitution at nucleotide position 12064. The lysine at codon 4022 is replaced by glutamine, an amino acid with similar properties. This amino acid position is conserved. In addition, the in silico prediction for this alteration is inconclusive. Since supporting evidence is limited at this time, the clinical significance of this alteration remains unclear.